The following is an entry in ClinVar:

ClinVar aggregate classification (germline): Benign/Likely benign. Review status: criteria provided, multiple submitters, no conflicts (2 of 4 stars). 2 submissions from 2 submitters: Benign (1); Likely benign (1). Last evaluated 2024-05-17.

Conditions:
Familial cancer of breast. Also called: Hereditary breast cancer; BREAST CANCER, FAMILIAL; hereditary breast carcinoma. Identifiers: Orphanet 227535, MedGen C0346153, MONDO:0016419, OMIM 114480. Disease mechanism: loss of function.
Ataxia-telangiectasia syndrome (AT). Also called: Ataxia telangiectasia (A-T); Cerebello-oculocutaneous telangiectasia; Immunodeficiency with ataxia telangiectasia; LOUIS-BAR SYNDROME; ATAXIA-TELANGIECTASIA, FRESNO VARIANT; Ataxia-telangiectasia, complementation group D. Identifiers: Orphanet 100, MedGen C0004135, MONDO:0008840, OMIM 208900.

Submissions (2):

Myriad Genetics, Inc.
Classification: Benign for Familial cancer of breast. Last evaluated: 2024-05-17. Review status: criteria provided, single submitter. Criteria: Myriad Autosomal Dominant, Autosomal Recessive and X-Linked Classification Criteria (2023). Collection method: clinical testing. Allele origin: unknown.
Comment: This variant is considered benign. This variant is a silent/synonymous amino acid change and it is not expected to impact splicing.

Labcorp Genetics (formerly Invitae), Labcorp
Classification: Likely benign for Ataxia-telangiectasia syndrome. Last evaluated: 2022-07-19. Review status: criteria provided, single submitter. Criteria: Invitae Variant Classification Sherloc (09022015). Collection method: clinical testing. Allele origin: germline.

NM_000051.4(ATM):c.4248G>A (p.Gln1416=)

Gene: ATM (ATM serine/threonine kinase; plus strand). Cytogenetic location: 11q22.3.
Variant type: single nucleotide variant.
Coding change: c.4248G>A on transcript NM_000051.4 (MANE Select); coding-DNA position 4248, G replaced by A.
Protein change: p.Gln1416=; no amino-acid change (glutamine 1416 retained).
Molecular consequence: synonymous variant.
Genome position (GRCh38, 1-based): chr11:108,289,613, G>A. VCF-style: chr11-108289613-G-A. GRCh37 (hg19) VCF-style: chr11-108160340-G-A.
Other names: c.4248G>A, p.Gln1416= (NM_001351834.2).
Identifiers: ClinVar variation 760015 (VCV000760015.11), dbSNP rs1233637041, ClinGen allele CA476673807.
Genomic context (GRCh38, chr11:108,289,613, plus strand): 5'-GCCGAGTATCTAATTAAACAAGTTTTTACTAAATCTGTTTATTTTCTAGGATTCCTATCA[G>A]AAAATTCTTCTTGCCATATGTGAGCAAGCAGCTGAAACAAATAATGTTTATAAGAAGCAC-3'
Protein context (NP_000042.3, residues 1406-1426): EILSKSPDSY[Gln1416=]KILLAICEQA